The following is an entry in ClinVar:

ClinVar aggregate classification (germline): Pathogenic (1 of 4 stars; one submission).

Submission:

Labcorp Genetics (formerly Invitae), Labcorp
Classification: Pathogenic. Last evaluated: 2022-07-13. Review status: criteria provided, single submitter. Criteria: Invitae Variant Classification Sherloc (09022015). Collection method: clinical testing. Allele origin: germline.
Comment: A gross deletion of the genomic region encompassing the full coding sequence of the COL4A5 gene has been identified. Loss-of-function variants in COL4A5 are known to be pathogenic (PMID: 9195222, 10752524, 14514738, 24854265, 26809805). The boundaries of this event are unknown as they extend beyond the assayed region for this gene and therefore may encompass additional genes. A similar copy number variant has been observed in individual(s) with Alport syndrome (PMID: 7993995, 18584212). For these reasons, this variant has been classified as Pathogenic.

Literature cited by the submitters: PubMed 9195222; PubMed 10752524; PubMed 14514738; PubMed 24854265; PubMed 26809805; PubMed 7993995; PubMed 18584212.

NC_000023.11:g.(?_108440116)_(108696388_?)del

Gene: COL4A5 (collagen type IV alpha 5 chain; plus strand). Cytogenetic location: Xq22.3.
Variant type: Deletion.
Identifiers: ClinVar variation 830937 (VCV000830937.2).